The following is an entry in ClinVar:

ClinVar aggregate classification (germline): Uncertain significance (1 of 4 stars; one submission).

Submission:

Labcorp Genetics (formerly Invitae), Labcorp
Classification: Uncertain significance. Last evaluated: 2022-02-05. Review status: criteria provided, single submitter. Criteria: Invitae Variant Classification Sherloc (09022015). Collection method: clinical testing. Allele origin: germline.
Comment: This variant has not been reported in the literature in individuals affected with CDH23-related conditions. This variant is not present in population databases (gnomAD no frequency). This sequence change replaces lysine, which is basic and polar, with threonine, which is neutral and polar, at codon 3333 of the CDH23 protein (p.Lys3333Thr). ClinVar contains an entry for this variant (Variation ID: 1009768). In summary, the available evidence is currently insufficient to determine the role of this variant in disease. Therefore, it has been classified as a Variant of Uncertain Significance. Algorithms developed to predict the effect of missense changes on protein structure and function are either unavailable or do not agree on the potential impact of this missense change (SIFT: "Deleterious"; PolyPhen-2: "Not Available"; Align-GVGD: "Class C0").

NM_022124.6(CDH23):c.9998A>C (p.Lys3333Thr)

Gene: CDH23 (cadherin related 23; plus strand). Cytogenetic location: 10q22.1.
Variant type: single nucleotide variant.
Coding change: c.9998A>C on transcript NM_022124.6 (MANE Select); coding-DNA position 9998, A replaced by C.
Protein change: p.Lys3333Thr; replaces lysine 3333 with threonine.
Molecular consequence: missense variant.
Genome position (GRCh38, 1-based): chr10:71,815,211, A>C. VCF-style: chr10-71815211-A-C. GRCh37 (hg19) VCF-style: chr10-73574968-A-C.
Other names: c.3278A>C, p.Lys1093Thr (NM_001171933.1); c.3173A>C, p.Lys1058Thr (NM_001171934.1); c.689A>C, p.Lys230Thr (NM_001171935.1); c.584A>C, p.Lys195Thr (NM_001171936.1); short protein forms K1058T, K1093T, K195T, K230T, K3333T.
Identifiers: ClinVar variation 1009768 (VCV001009768.8), dbSNP rs1842094563, ClinGen allele CA377138980.
Genomic context (GRCh38, chr10:71,815,211, plus strand): 5'-AGACGCTGACCGCTGCCGAGGCCACTGCCTTCGAGCGCAACGCCCGCACAGAATCCGCCA[A>C]ATCCACACCCCTGCACAAACTTCGCGACGTGATCATGGAGACCCCCCTGGAGATCACAGA-3'
Protein context (NP_071407.4, residues 3323-3343): FERNARTESA[Lys3333Thr]STPLHKLRDV